The following is an entry in ClinVar:

ClinVar aggregate classification (germline): Uncertain significance (1 of 4 stars; one submission).

Allele frequency attached by ClinVar (database versions not stated): gnomAD 0.00001; TOPMed 0.00001.
gnomAD v4.1: 1 of 1,202,785 alleles (0.000083%); highest among the groups gnomAD compares: Admixed American, 0.0022%; no homozygotes.

Submission:

Labcorp Genetics (formerly Invitae), Labcorp
Classification: Uncertain significance. Last evaluated: 2025-10-01. Review status: criteria provided, single submitter. Criteria: Invitae Variant Classification Sherloc (09022015). Collection method: clinical testing. Allele origin: germline.
Comment: This sequence change replaces phenylalanine, which is neutral and non-polar, with valine, which is neutral and non-polar, at codon 1911 of the CACNA1F protein (p.Phe1911Val). This variant is not present in population databases (gnomAD no frequency). This variant has not been reported in the literature in individuals affected with CACNA1F-related conditions. ClinVar contains an entry for this variant (Variation ID: 933864). An algorithm developed to predict the effect of missense changes on protein structure and function (PolyPhen-2) suggests that this variant is likely to be tolerated. In summary, the available evidence is currently insufficient to determine the role of this variant in disease. Therefore, it has been classified as a Variant of Uncertain Significance.

NM_001256789.3(CACNA1F):c.5698T>G (p.Phe1900Val)

Gene: CACNA1F (calcium voltage-gated channel subunit alpha1 F; minus strand). Cytogenetic location: Xp11.23.
Variant type: single nucleotide variant.
Coding change: c.5698T>G on transcript NM_001256789.3 (MANE Select); coding-DNA position 5698, T replaced by G.
Protein change: p.Phe1900Val; replaces phenylalanine 1900 with valine.
Molecular consequence: missense variant.
Genome position (GRCh38, 1-based): chrX:49,205,340, A>C on the plus strand (T>G on the coding strand, the complement: CACNA1F is on the minus strand). VCF-style: chrX-49205340-A-C. GRCh37 (hg19) VCF-style: chrX-49061800-A-C.
Other names: c.5536T>G, p.Phe1846Val (NM_001256790.3); c.5731T>G, p.Phe1911Val (NM_005183.4); short protein forms F1911V, F1846V, F1900V.
Identifiers: ClinVar variation 933864 (VCV000933864.9), dbSNP rs2065582966, ClinGen allele CA412956568.
Genomic context (GRCh38, chrX:49,205,340, plus strand): 5'-GGCGACACGCATCTGCAATCTCCTGCTTGGCCAGGGCCACGAAACGTGGGTCTCGAGCAA[A>C]GAGGCCCAGACCCTCTGAGATAAGCACCTGGGGGCACAGGTGGGATCAGTGTTGACGGAC-3'
Protein context (NP_001243718.1, residues 1890-1910): AVLISEGLGL[Phe1900Val]ARDPRFVALA